The following is an entry in ClinVar:

NM_014495.4(ANGPTL3):c.596T>C (p.Ile199Thr)

Genes: ANGPTL3 (angiopoietin like 3; plus strand), DOCK7 (dedicator of cytokinesis 7; minus strand). Cytogenetic location: 1p31.3.
Variant type: single nucleotide variant.
Coding change: c.596T>C on transcript NM_014495.4 (MANE Select); coding-DNA position 596, T replaced by C.
Protein change: p.Ile199Thr; replaces isoleucine 199 with threonine.
Molecular consequence: missense variant. On other transcripts: intron variant (7).
Genome position (GRCh38, 1-based): chr1:62,598,796, T>C. VCF-style: chr1-62598796-T-C. GRCh37 (hg19) VCF-style: chr1-63064467-T-C.
Other names: c.1683-12172A>G (NM_001272001.2, NM_001272000.2, NM_033407.4 and 4 more transcripts); short protein forms I199T.
Identifiers: ClinVar variation 4736858 (VCV004736858.1).
Genomic context (GRCh38, chr1:62,598,796, plus strand): 5'-TCCAGACCGTGGAAGACCAATATAAACAATTAAACCAACAGCATAGTCAAATAAAAGAAA[T>C]AGAAAATCAGGTAAGTCAGTATTTTAATGGTATGTCCCATCTTTCACACAGGTCTGTAAA-3'
Protein context (NP_055310.1, residues 189-209): LNQQHSQIKE[Ile199Thr]ENQLRRTSIQ

ClinVar aggregate classification (germline): Uncertain significance (1 of 4 stars; one submission).

gnomAD v4.1: 49 of 1,591,860 alleles (0.0031%); highest among the groups gnomAD compares: Middle Eastern, 0.017%; no homozygotes.

Submission:

Labcorp Genetics (formerly Invitae), Labcorp
Classification: Uncertain significance. Last evaluated: 2025-09-10. Review status: criteria provided, single submitter. Criteria: Invitae Variant Classification Sherloc (09022015). Collection method: clinical testing. Allele origin: germline.
Comment: This sequence change replaces isoleucine, which is neutral and non-polar, with threonine, which is neutral and polar, at codon 199 of the ANGPTL3 protein (p.Ile199Thr). This variant is present in population databases (rs112068132, gnomAD 0.008%). This missense change has been observed in individual(s) with dyslipidemia (PMID: 36325899). An algorithm developed to predict the effect of missense changes on protein structure and function (PolyPhen-2) suggests that this variant is likely to be disruptive. In summary, the available evidence is currently insufficient to determine the role of this variant in disease. Therefore, it has been classified as a Variant of Uncertain Significance.

Literature cited by the submitters: PubMed 36325899.